The following is an entry in ClinVar:

NM_001346754.2(PIGW):c.1334A>C (p.Asn445Thr)

Genes: MYO19 (myosin XIX; minus strand), PIGW (phosphatidylinositol glycan anchor biosynthesis class W; plus strand). Cytogenetic location: 17q12.
Variant type: single nucleotide variant.
Coding change: c.1334A>C on transcript NM_001346754.2 (MANE Select); coding-DNA position 1334, A replaced by C.
Protein change: p.Asn445Thr; replaces asparagine 445 with threonine.
Molecular consequence: missense variant.
Genome position (GRCh38, 1-based): chr17:36,538,435, A>C. VCF-style: chr17-36538435-A-C. GRCh37 (hg19) VCF-style: chr17-34894284-A-C.
Other names: c.1334A>C, p.Asn445Thr (NM_001346755.2, NM_178517.5); short protein forms N445T.
Identifiers: ClinVar variation 1417589 (VCV001417589.6), dbSNP rs1407125462, ClinGen allele CA399164754.

ClinVar aggregate classification (germline): Uncertain significance (1 of 4 stars; one submission).

Conditions:
Hyperphosphatasia with intellectual disability syndrome 5 (GPIBD11). Also called: GLYCOSYLPHOSPHATIDYLINOSITOL BIOSYNTHESIS DEFECT 11. Identifiers: Orphanet 247262, MedGen C4014958, MONDO:0014457, OMIM 616025.

gnomAD v4.1: 5 of 1,614,164 alleles (0.00031%); highest among the groups gnomAD compares: Non-Finnish European, 0.00042%; no homozygotes.

Submission:

Labcorp Genetics (formerly Invitae), Labcorp
Classification: Uncertain significance for Hyperphosphatasia with intellectual disability syndrome 5. Last evaluated: 2021-09-23. Review status: criteria provided, single submitter. Criteria: Invitae Variant Classification Sherloc (09022015). Collection method: clinical testing. Allele origin: germline.
Comment: This sequence change replaces asparagine with threonine at codon 445 of the PIGW protein (p.Asn445Thr). The asparagine residue is highly conserved and there is a small physicochemical difference between asparagine and threonine. This variant is not present in population databases (ExAC no frequency). This variant has not been reported in the literature in individuals affected with PIGW-related conditions. Algorithms developed to predict the effect of missense changes on protein structure and function are either unavailable or do not agree on the potential impact of this missense change (SIFT: "Deleterious"; PolyPhen-2: "Probably Damaging"; Align-GVGD: "Class C0"). In summary, the available evidence is currently insufficient to determine the role of this variant in disease. Therefore, it has been classified as a Variant of Uncertain Significance.